The following is an entry in ClinVar:

ClinVar aggregate classification (germline): Uncertain significance. Review status: criteria provided, multiple submitters, no conflicts (2 of 4 stars). 2 submissions from 2 submitters: Uncertain significance (2). Last evaluated 2025-08-25.

Conditions:
Hereditary cancer-predisposing syndrome. Also called: Tumor predisposition; Hereditary Cancer Syndrome; Neoplastic Syndromes, Hereditary; Hereditary neoplastic syndrome. Identifiers: Orphanet 140162, MedGen C0027672, MeSH D009386, MONDO:0015356.
Familial adenomatous polyposis 1 (FAP1). Also called: FAMILIAL ADENOMATOUS POLYPOSIS 1, ATTENUATED; POLYPOSIS, ADENOMATOUS INTESTINAL. Identifiers: MedGen C2713442, MONDO:0021056, OMIM 175100. Disease mechanism: loss of function.

gnomAD v4.1: 1 of 1,611,642 alleles (0.000062%); highest among the groups gnomAD compares: Non-Finnish European, 0.000085%; no homozygotes.

Submissions (2):

Labcorp Genetics (formerly Invitae), Labcorp
Classification: Uncertain significance for Familial adenomatous polyposis 1. Last evaluated: 2025-08-25. Review status: criteria provided, single submitter. Criteria: Invitae Variant Classification Sherloc (09022015). Collection method: clinical testing. Allele origin: germline.
Comment: This sequence change replaces arginine, which is basic and polar, with leucine, which is neutral and non-polar, at codon 2833 of the APC protein (p.Arg2833Leu). This variant is not present in population databases (gnomAD no frequency). This variant has not been reported in the literature in individuals affected with APC-related conditions. ClinVar contains an entry for this variant (Variation ID: 822509). Invitae Evidence Modeling of protein sequence and biophysical properties (such as structural, functional, and spatial information, amino acid conservation, physicochemical variation, residue mobility, and thermodynamic stability) indicates that this missense variant is not expected to disrupt APC protein function with a negative predictive value of 95%. In summary, the available evidence is currently insufficient to determine the role of this variant in disease. Therefore, it has been classified as a Variant of Uncertain Significance.

Ambry Genetics
Classification: Uncertain significance for Hereditary cancer-predisposing syndrome. Last evaluated: 2019-03-06. Review status: criteria provided, single submitter. Criteria: Ambry Variant Classification Scheme 2023. Collection method: clinical testing. Allele origin: germline.
Comment: The p.R2833L variant (also known as c.8498G>T), located in coding exon 15 of the APC gene, results from a G to T substitution at nucleotide position 8498. The arginine at codon 2833 is replaced by leucine, an amino acid with dissimilar properties. This amino acid position is highly conserved in available vertebrate species. In addition, in silico predictors for this gene do not accurately predict pathogenicity. Since supporting evidence is limited at this time, the clinical significance of this alteration remains unclear.

NM_000038.6(APC):c.8498G>T (p.Arg2833Leu)

Gene: APC (APC regulator of Wnt signaling pathway; plus strand). Cytogenetic location: 5q22.2.
Variant type: single nucleotide variant.
Coding change: c.8498G>T on transcript NM_000038.6 (MANE Select); coding-DNA position 8498, G replaced by T.
Protein change: p.Arg2833Leu; replaces arginine 2833 with leucine.
Molecular consequence: missense variant.
Genome position (GRCh38, 1-based): chr5:112,844,092, G>T. VCF-style: chr5-112844092-G-T. GRCh37 (hg19) VCF-style: chr5-112179789-G-T.
Other names: c.8498G>T, p.Arg2833Leu (NM_001127510.3, NM_001354895.2); c.8444G>T, p.Arg2815Leu (NM_001127511.3); c.8552G>T, p.Arg2851Leu (NM_001354896.2); c.8528G>T, p.Arg2843Leu (NM_001354897.2); c.8423G>T, p.Arg2808Leu (NM_001354898.2); c.8414G>T, p.Arg2805Leu (NM_001354899.2); c.8375G>T, p.Arg2792Leu (NM_001354900.2); c.8321G>T, p.Arg2774Leu (NM_001354901.2); and 5 more; short protein forms R2742L, R2774L, R2792L, R2805L, R2808L, R2815L, R2843L, R2851L.
Identifiers: ClinVar variation 822509 (VCV000822509.6), dbSNP rs587779810, ClinGen allele CA16039767.